The following is an entry in ClinVar:

NM_001105206.3(LAMA4):c.548C>T (p.Thr183Ile)

Gene: LAMA4 (laminin subunit alpha 4; minus strand). Cytogenetic location: 6q21.
Variant type: single nucleotide variant.
Coding change: c.548C>T on transcript NM_001105206.3 (MANE Select); coding-DNA position 548, C replaced by T.
Protein change: p.Thr183Ile; replaces threonine 183 with isoleucine.
Molecular consequence: missense variant.
Genome position (GRCh38, 1-based): chr6:112,191,806, G>A on the plus strand (C>T on the coding strand, the complement: LAMA4 is on the minus strand). VCF-style: chr6-112191806-G-A. GRCh37 (hg19) VCF-style: chr6-112513008-G-A.
Other names: c.548C>T, p.Thr183Ile (NM_001105207.3, NM_002290.5); short protein forms T183I.
Identifiers: ClinVar variation 4751600 (VCV004751600.1).

ClinVar aggregate classification (germline): Uncertain significance (1 of 4 stars; one submission).

Conditions:
Dilated cardiomyopathy 1JJ (CMD1JJ). Identifiers: Orphanet 154, MedGen C3808935, MONDO:0014095, OMIM 615235.

Submission:

Labcorp Genetics (formerly Invitae), Labcorp
Classification: Uncertain significance for Dilated cardiomyopathy 1JJ. Last evaluated: 2025-08-03. Review status: criteria provided, single submitter. Criteria: Invitae Variant Classification Sherloc (09022015). Collection method: clinical testing. Allele origin: germline.
Comment: This sequence change replaces threonine, which is neutral and polar, with isoleucine, which is neutral and non-polar, at codon 183 of the LAMA4 protein (p.Thr183Ile). This variant is not present in population databases (gnomAD no frequency). This variant has not been reported in the literature in individuals affected with LAMA4-related conditions. An algorithm developed to predict the effect of missense changes on protein structure and function (PolyPhen-2) suggests that this variant is likely to be disruptive. In summary, the available evidence is currently insufficient to determine the role of this variant in disease. Therefore, it has been classified as a Variant of Uncertain Significance.